The following is an entry in ClinVar:

ClinVar aggregate classification (germline): Uncertain significance (1 of 4 stars; one submission).

Conditions:
Cardiovascular phenotype. Identifiers: MedGen CN230736.

Allele frequency attached by ClinVar (database versions not stated): TOPMed below 0.00001; gnomAD exomes 0.00002.
gnomAD v4.1: 27 of 1,614,154 alleles (0.0017%); highest among the groups gnomAD compares: Non-Finnish European, 0.0023%; no homozygotes.

Submission:

Ambry Genetics
Classification: Uncertain significance for Cardiovascular phenotype. Last evaluated: 2023-07-05. Review status: criteria provided, single submitter. Criteria: Ambry Variant Classification Scheme 2023. Collection method: clinical testing. Allele origin: germline.
Comment: The p.E439K variant (also known as c.1315G>A), located in coding exon 10 of the LAMA4 gene, results from a G to A substitution at nucleotide position 1315. The glutamic acid at codon 439 is replaced by lysine, an amino acid with similar properties. This amino acid position is conserved. In addition, this alteration is predicted to be tolerated by in silico analysis. Since supporting evidence is limited at this time, the clinical significance of this alteration remains unclear.

NM_001105206.3(LAMA4):c.1336G>A (p.Glu446Lys)

Gene: LAMA4 (laminin subunit alpha 4; minus strand). Cytogenetic location: 6q21.
Variant type: single nucleotide variant.
Coding change: c.1336G>A on transcript NM_001105206.3 (MANE Select); coding-DNA position 1336, G replaced by A.
Protein change: p.Glu446Lys; replaces glutamic acid 446 with lysine.
Molecular consequence: missense variant.
Genome position (GRCh38, 1-based): chr6:112,175,334, C>T on the plus strand (G>A on the coding strand, the complement: LAMA4 is on the minus strand). VCF-style: chr6-112175334-C-T. GRCh37 (hg19) VCF-style: chr6-112496536-C-T.
Other names: c.1315G>A, p.Glu439Lys (NM_001105207.3, NM_002290.5); short protein forms E439K, E446K.
Identifiers: ClinVar variation 2624770 (VCV002624770.2), dbSNP rs1224211743, ClinGen allele CA365371613.